The following is an entry in ClinVar:

ClinVar aggregate classification (germline): Uncertain significance. Review status: criteria provided, multiple submitters, no conflicts (2 of 4 stars). 4 submissions from 4 submitters: Uncertain significance (4). Last evaluated 2025-12-10.

Conditions:
Hereditary cancer-predisposing syndrome. Also called: Neoplastic Syndromes, Hereditary; Hereditary Cancer Syndrome; Tumor predisposition; Hereditary neoplastic syndrome. Identifiers: Orphanet 140162, MedGen C0027672, MeSH D009386, MONDO:0015356.
Familial cancer of breast. Also called: BREAST CANCER, FAMILIAL; hereditary breast carcinoma; Hereditary breast cancer. Identifiers: Orphanet 227535, MedGen C0346153, MONDO:0016419, OMIM 114480. Disease mechanism: loss of function.
Ataxia-telangiectasia syndrome (AT). Also called: Ataxia-telangiectasia, complementation group D; AT, COMPLEMENTATION GROUP C; Ataxia-telangiectasia; ATAXIA-TELANGIECTASIA, COMPLEMENTATION GROUP A; ATAXIA-TELANGIECTASIA, FRESNO VARIANT; Ataxia-telangiectasia, complementation group E. Identifiers: Orphanet 100, MedGen C0004135, MONDO:0008840, OMIM 208900.

Submissions (4):

Color Diagnostics, LLC DBA Color Health
Classification: Uncertain significance for Hereditary cancer-predisposing syndrome. Last evaluated: 2025-12-10. Review status: criteria provided, single submitter. Criteria: ACMG Guidelines, 2015. Collection method: clinical testing. Allele origin: germline.
Comment: This missense variant replaces valine with glutamic acid at codon 2937 of the ATM protein. Computational prediction suggests that this variant may have deleterious impact on protein structure and function. To our knowledge, functional studies have not been reported for this variant. This variant has not been reported in individuals affected with ATM-related disorders in the literature. This variant has not been identified in the general population by the Genome Aggregation Database (gnomAD). The available evidence is insufficient to determine the role of this variant in disease conclusively. Therefore, this variant is classified as a Variant of Uncertain Significance.

Labcorp Genetics (formerly Invitae), Labcorp
Classification: Uncertain significance for Ataxia-telangiectasia syndrome. Last evaluated: 2025-07-15. Review status: criteria provided, single submitter. Criteria: Invitae Variant Classification Sherloc (09022015). Collection method: clinical testing. Allele origin: germline.
Comment: This sequence change replaces valine, which is neutral and non-polar, with glutamic acid, which is acidic and polar, at codon 2937 of the ATM protein (p.Val2937Glu). This variant is not present in population databases (gnomAD no frequency). This variant has not been reported in the literature in individuals affected with ATM-related conditions. ClinVar contains an entry for this variant (Variation ID: 142933). Invitae Evidence Modeling of protein sequence and biophysical properties (such as structural, functional, and spatial information, amino acid conservation, physicochemical variation, residue mobility, and thermodynamic stability) indicates that this missense variant is expected to disrupt ATM protein function with a positive predictive value of 95%. In summary, the available evidence is currently insufficient to determine the role of this variant in disease. Therefore, it has been classified as a Variant of Uncertain Significance.

Ambry Genetics
Classification: Uncertain significance for Hereditary cancer-predisposing syndrome. Last evaluated: 2025-01-14. Review status: criteria provided, single submitter. Criteria: Ambry Variant Classification Scheme 2023. Collection method: clinical testing. Allele origin: germline.
Comment: The p.V2937E variant (also known as c.8810T>A), located in coding exon 60 of the ATM gene, results from a T to A substitution at nucleotide position 8810. The valine at codon 2937 is replaced by glutamic acid, an amino acid with dissimilar properties. This amino acid position is highly conserved in available vertebrate species. In addition, this alteration is predicted to be deleterious by in silico analysis. Based on the available evidence, the clinical significance of this variant remains unclear.

Baylor Genetics
Classification: Uncertain significance for Familial cancer of breast. Last evaluated: 2023-10-04. Review status: criteria provided, single submitter. Criteria: ACMG Guidelines, 2015. Collection method: clinical testing. Allele origin: unknown.

NM_000051.4(ATM):c.8810T>A (p.Val2937Glu)

Genes: ATM (ATM serine/threonine kinase; plus strand), C11orf65 (chromosome 11 open reading frame 65; minus strand). Cytogenetic location: 11q22.3.
Variant type: single nucleotide variant.
Coding change: c.8810T>A on transcript NM_000051.4 (MANE Select); coding-DNA position 8810, T replaced by A.
Protein change: p.Val2937Glu; replaces valine 2937 with glutamic acid.
Molecular consequence: missense variant. On other transcripts: intron variant (2).
Genome position (GRCh38, 1-based): chr11:108,354,834, T>A. VCF-style: chr11-108354834-T-A. GRCh37 (hg19) VCF-style: chr11-108225561-T-A.
Other names: c.8810T>A, p.Val2937Glu (NM_001351834.2); c.640+31086A>T (NM_001330368.2); c.695-19542A>T (NM_001351110.2); short protein forms V2937E.
Identifiers: ClinVar variation 142933 (VCV000142933.21), dbSNP rs587782149, ClinGen allele CA169806.